The following is an entry in ClinVar:

ClinVar aggregate classification (germline): Uncertain significance (1 of 4 stars; one submission).

Conditions:
Familial thoracic aortic aneurysm and aortic dissection (TAAD). Also called: Thoracic aortic aneurysms and dissections. Identifiers: Orphanet 91387, MedGen C4707243, MONDO:0019625.

Submission:

Ambry Genetics
Classification: Uncertain significance for Familial thoracic aortic aneurysm and aortic dissection. Last evaluated: 2023-04-14. Review status: criteria provided, single submitter. Criteria: Ambry Variant Classification Scheme 2023. Collection method: clinical testing. Allele origin: germline.
Comment: The p.G619W variant (also known as c.1855G>T), located in coding exon 16 of the PRKG1 gene, results from a G to T substitution at nucleotide position 1855. The glycine at codon 619 is replaced by tryptophan, an amino acid with highly dissimilar properties. This amino acid position is conserved. In addition, this alteration is predicted to be deleterious by in silico analysis. Since supporting evidence is limited at this time, the clinical significance of this alteration remains unclear.

NM_006258.4(PRKG1):c.1855G>T (p.Gly619Trp)

Gene: PRKG1 (protein kinase cGMP-dependent 1; plus strand). Cytogenetic location: 10q21.1.
Variant type: single nucleotide variant.
Coding change: c.1855G>T on transcript NM_006258.4 (MANE Select); coding-DNA position 1855, G replaced by T.
Protein change: p.Gly619Trp; replaces glycine 619 with tryptophan.
Molecular consequence: missense variant.
Genome position (GRCh38, 1-based): chr10:52,288,953, G>T. VCF-style: chr10-52288953-G-T. GRCh37 (hg19) VCF-style: chr10-54048713-G-T.
Other names: c.1810G>T, p.Gly604Trp (NM_001098512.3); c.646G>T, p.Gly216Trp (NM_001374781.1); short protein forms G619W, G216W, G604W.
Identifiers: ClinVar variation 2565418 (VCV002565418.2), dbSNP rs2492885337, ClinGen allele CA376536452.
Genomic context (GRCh38, chr10:52,288,953, plus strand): 5'-AAAAATTAGATTTAATAAAACCATTATTTTATTTTTAGGGACAATCCATCAGAAAGATTA[G>T]GGAATTTGAAAAATGGAGTAAAAGACATTCAAAAGCACAAGTAAGTGTTCTTTCTGCAGA-3'
Protein context (NP_006249.1, residues 609-629): LCRDNPSERL[Gly619Trp]NLKNGVKDIQ